The following is an entry in ClinVar:

ClinVar aggregate classification (germline): Likely benign (1 of 4 stars; one submission).

Allele frequency attached by ClinVar (database versions not stated): gnomAD exomes 0.00003 and 0.00006; gnomAD 0.00005 and 0.00006; TOPMed 0.00005.
gnomAD v4.1: 92 of 1,581,100 alleles (0.0058%); highest among the groups gnomAD compares: Non-Finnish European, 0.0076%; no homozygotes.

Submission:

GeneDx
Classification: Likely benign. Last evaluated: 2016-03-08. Review status: criteria provided, single submitter. Criteria: GeneDx Variant Classification (06012015). Collection method: clinical testing. Allele origin: germline. Affected: yes.
Comment: This variant is considered likely benign or benign based on one or more of the following criteria: it is a conservative change, it occurs at a poorly conserved position in the protein, it is predicted to be benign by multiple in silico algorithms, and/or has population frequency not consistent with disease.

NM_024407.5(NDUFS7):c.-6G>A

Gene: NDUFS7 (NADH:ubiquinone oxidoreductase core subunit S7; plus strand). Cytogenetic location: 19p13.3.
Variant type: single nucleotide variant.
Coding change: c.-6G>A on transcript NM_024407.5 (MANE Select); 6 bases upstream of the start codon, G replaced by A.
Molecular consequence: 5 prime UTR variant.
Genome position (GRCh38, 1-based): chr19:1,383,921, G>A. VCF-style: chr19-1383921-G-A. GRCh37 (hg19) VCF-style: chr19-1383920-G-A.
Other names: c.-6G>A (NM_001363602.2).
Identifiers: ClinVar variation 379099 (VCV000379099.1), dbSNP rs958345124, ClinGen allele CA16608965.